The following continues an entry in ClinVar:

NM_000492.3(CFTR):c.1521_1523del (p.Phe508del)

ClinVar aggregate classification (germline): Pathogenic. Pathogenic (1).

Submissions 46 to 63 of 104:

Laboratory for Molecular Medicine, Mass General Brigham Personalized Medicine
Classification: Pathogenic for Cystic fibrosis. Last evaluated: 2022-11-03. Review status: criteria provided, single submitter. Criteria: ACMG Guidelines, 2015. Collection method: clinical testing. Allele origin: germline. Inheritance: Autosomal recessive inheritance. Not counted in ClinVar's aggregate classification.
Comment: The p.Phe508del variant in CFTR (also known as ΔF508) is a deletion of a single amino acid at position 508 and is well-established as a pathogenic variant for autosomal recessive cystic fibrosis (Kerem 1989 PMID:2570460, Fuller 1992 PMID:1381146, Southern 1997 PMID:9135274, Grody 2001 PMID:11280952, Sosnay 2013 PMID:23974870). This is the most common pathogenic variant reported in CFTR and has been classified as Pathogenic by the ACMG practice guideline for cystic fibrosis carrier screening and the ClinGen-approved CFTR2 expert panel (ClinVar Variation ID 7105). In summary, this variant meets criteria to be classified as pathogenic for autosomal recessive cystic fibrosis. ACMG/AMP Criteria applied: PM3_Very Strong, PP1_Strong, PS3, PM4_Supporting.

MGZ Medical Genetics Center
Classification: Pathogenic for Cystic fibrosis. Last evaluated: 2022-08-30. Review status: criteria provided, single submitter. Criteria: ACMG Guidelines, 2015. Collection method: clinical testing. Allele origin: germline. Affected: yes. Observed: 30 variant alleles. Not counted in ClinVar's aggregate classification.
Comment: ACMG criteria applied: PM3_VSTR, PS3, PS4, PM4, PP4

AiLife Diagnostics
Classification: Pathogenic. Last evaluated: 2022-03-30. Review status: criteria provided, single submitter. Criteria: ACMG Guidelines, 2015. Collection method: clinical testing. Allele origin: germline. Affected: yes. Observed: 5 variant alleles. Not counted in ClinVar's aggregate classification.

Dasa
Classification: Pathogenic for Cystic fibrosis. Last evaluated: 2022-02-14. Review status: criteria provided, single submitter. Criteria: ACMG Guidelines, 2015. Collection method: clinical testing. Allele origin: germline. Affected: yes. Observed: 5 variant alleles. Not counted in ClinVar's aggregate classification.
Comment: Well-established in vitro or in vivo functional studies supportive of a damaging effect on the gene or gene product (PMID: 30030066; 27738188) - PS3. This sequence change has been observed in affected individual(s) and ClinVar contains an entry for this variant (Clinvar ID: 7105; PMID: 30089726; 29614238; 29668297; 29944384) - PS4. The p.(Phe508del) was detected in trans with a pathogenic variant (PMID: 30089726; 29614238) - PM3_very strong. Protein length variants as a result of in-frame deletions/insertions in a nonrepeat region or stop-loss variants - PM4 and allele frequency is greater than expected for disorder - BS1. In summary, the currently available evidence indicates that the variant is pathogenic.

Genetics and Molecular Pathology, SA Pathology
Classification: Pathogenic for Cystic fibrosis. Last evaluated: 2022-02-04. Review status: criteria provided, single submitter. Criteria: ACMG Guidelines, 2015. Collection method: clinical testing. Allele origin: germline. Inheritance: Autosomal recessive inheritance. Affected: yes. Not counted in ClinVar's aggregate classification.
Comment: This sequence change is an inframe deletion of 3 bp predicted to cause the deletion of phenylalanine at position 508 of the CFTR protein (p.Phe508del). The region deleted is highly conserved (100 vertebrates, UCSC) in a nonrepeat region, and is located in the ABC transporter domain. The variant is present in a large population cohort at a frequency of 0.7% (rs1297060838, 2,027/282,630 alleles, 1 homozygote in gnomAD v2.1). It is the most commonly reported pathongenic variant in CFTR, and is assigned a practice quideline pathogenic classification in ClinVar (ID: 7105). It has been identified in a homozygous state and compound heterozygous with a second pathogenic allele in cystic fibrosis cases (PMID: 8092189, 1379413, 2570460). Additionally, a Cftr Phe508del/Phe508del mouse model lack CFTR in the apical membrane, were chloride ion-impermeable, and displayed several abnormalities found in the human disease (PMID: 7560099). Based on the classification scheme RMH ACMG Guidelines v1.2.1, this variant is classified as PATHOGENIC. Following criteria are met: PM3_VeryStrong, PS3, PM4_Supporting.

Laboratorio de Genetica e Diagnostico Molecular, Hospital Israelita Albert Einstein
Classification: Pathogenic for Hereditary pancreatitis; Cystic fibrosis. Last evaluated: 2022-02-01. Review status: criteria provided, single submitter. Criteria: ACMG Guidelines, 2015. Collection method: clinical testing. Allele origin: germline. Affected: yes. Not counted in ClinVar's aggregate classification.
Comment: ACMG classification criteria: PS3 supporting, PS4 strong, PM3 very strong, PM3 strong, PM4 moderate, PP3 supporting

Greenwood Genetic Center Diagnostic Laboratories, Greenwood Genetic Center
Classification: Pathogenic for Cystic fibrosis. Last evaluated: 2021-12-30. Review status: criteria provided, single submitter. Criteria: ACMG Guidelines, 2015. Collection method: clinical testing. Allele origin: germline. Affected: yes. Not counted in ClinVar's aggregate classification.
Comment: PS3, PP1, PM1, PM3, PM4

Institute for Clinical Genetics, University Hospital TU Dresden, University Hospital TU Dresden
Classification: Pathogenic. Last evaluated: 2021-11-03. Review status: criteria provided, single submitter. Criteria: ACMG Guidelines, 2015. Collection method: clinical testing. Allele origin: germline. Not counted in ClinVar's aggregate classification.

Institute of Reproductive Genetics, University of Münster
Classification: Pathogenic for Obstructive azoospermia. Last evaluated: 2021-08-23. Review status: criteria provided, single submitter. Criteria: ACMG Guidelines, 2015. Collection method: clinical testing. Allele origin: germline. Affected: yes. Observed: 10 variant alleles. Not counted in ClinVar's aggregate classification.

Genome-Nilou Lab
Classification: Pathogenic for Cystic fibrosis. Last evaluated: 2021-07-22. Review status: criteria provided, single submitter. Criteria: ACMG Guidelines, 2015. Collection method: clinical testing. Allele origin: germline. Affected: no. Not counted in ClinVar's aggregate classification.

Sema4
Classification: Pathogenic for Hereditary pancreatitis. Last evaluated: 2021-05-12. Review status: criteria provided, single submitter. Criteria: Sema4 Curation Guidelines. Collection method: curation. Allele origin: germline. Not counted in ClinVar's aggregate classification.
Comment: The CFTR c.1521_1523delCTT (p.F508del) variant is the most common pathogenic variant in individuals with cystic fibrosis (PMID: 31523618, 27469177, 20301295). Functional studies have shown that this variant disrupts the protein function (PMID: 24727426). This variant was observed in 1598/129034 chromosomes in the Non-Finnish European population, with 1 homozygote, according to the Genome Aggregation Database (PMID: 32461654). The variant has been reported in ClinVar (Variation ID 7105). Heterozygous carriers of the F508del variant are usually asymptomatic, however, may be at increased risk for developing pancreatitis, which can eventually lead to pancreatic cancer. Based on the current evidence available, this variant is interpreted as pathogenic.

Genomic Research Center, Shahid Beheshti University of Medical Sciences
Classification: Pathogenic. Last evaluated: 2020-05-03. Review status: criteria provided, single submitter. Criteria: ACMG Guidelines, 2015. Collection method: clinical testing. Allele origin: unknown. Affected: no. Not counted in ClinVar's aggregate classification.

Institute of Human Genetics Munich, TUM University Hospital
Classification: Pathogenic for Cystic fibrosis. Last evaluated: 2020-01-17. Review status: criteria provided, single submitter. Criteria: Classification criteria August 2017. Collection method: clinical testing. Allele origin: inherited. Inheritance: Autosomal recessive inheritance. Affected: yes. Observed: 1 homozygote. Not counted in ClinVar's aggregate classification.

Centre for Mendelian Genomics, University Medical Centre Ljubljana
Classification: Pathogenic for Hereditary pancreatitis. Last evaluated: 2019-10-22. Review status: criteria provided, single submitter. Criteria: ACMG Guidelines, 2015. Collection method: clinical testing. Allele origin: unknown. Affected: yes. Not counted in ClinVar's aggregate classification.
Comment: This variant was classified as: Pathogenic. The following ACMG criteria were applied in classifying this variant: PS1,PM1,PM3,PM4.

Foundation for Research in Genetics and Endocrinology, FRIGE's Institute of Human Genetics
Classification: Pathogenic for Cystic fibrosis. Last evaluated: 2019-10-18. Review status: criteria provided, single submitter. Criteria: ACMG Guidelines, 2015. Collection method: clinical testing. Allele origin: germline. Inheritance: Autosomal recessive inheritance. Affected: yes. Observed: 1 homozygote. Not counted in ClinVar's aggregate classification.
Comment: A homozygous 3 base pair deletion in exon 11 of the CFTR gene that results in the in-frame deletion of Phenylalanine was detected. The observed variant c.1521_1523del (p.Phe508del) has a minor allele frequency of 0.4% and 0.68% in the 1000 Genomes and ExAC databases respectively. The observed variation has previously been identified in patients affected with cystic fibrosis and it lies in the ABC transporter domain of the CFTR protein (Riordan et al 1989). The in silico prediction of the variant is damaging by MutationTaster2. The reference codon is conserved across mammals. In summary, the variant meets our criteria to be classified as pathogenic.

Myriad Genetics, Inc.
Classification: Pathogenic for Cystic fibrosis. Last evaluated: 2019-10-18. Review status: criteria provided, single submitter. Criteria: Myriad Women's Health Autosomal Recessive and X-Linked Classification Criteria (2019). Collection method: clinical testing. Allele origin: unknown. Not counted in ClinVar's aggregate classification.
Comment: NM_000492.3(CFTR):c.1521_1523delCTT(aka F508del) is classified as pathogenic in the context of cystic fibrosis and is associated with the classic form of disease. Sources cited for classification include the following: PMID 23974870 and 15371902. Classification of NM_000492.3(CFTR):c.1521_1523delCTT(aka F508del) is based on the following criteria: This is a well-established pathogenic variant in the literature that has been observed more frequently in patients with clinical diagnoses than in healthy populations. Please note: this variant was assessed in the context of healthy population screening.

Genome Diagnostics Laboratory, The Hospital for Sick Children
Classification: Pathogenic for Cystic fibrosis. Last evaluated: 2019-10-11. Review status: criteria provided, single submitter. Criteria: ACMG Guidelines, 2015. Collection method: clinical testing. Allele origin: germline. Not counted in ClinVar's aggregate classification.

Equipe Genetique des Anomalies du Developpement, Université de Bourgogne
Classification: Pathogenic for Cystic fibrosis. Last evaluated: 2019-06-04. Review status: criteria provided, single submitter. Criteria: ACMG Guidelines, 2015. Collection method: clinical testing. Allele origin: unknown. Affected: yes. Not counted in ClinVar's aggregate classification.